The following is an entry in ClinVar:

NM_014956.5(CEP164):c.3012G>T (p.Leu1004=)

Gene: CEP164 (centrosomal protein 164; plus strand). Cytogenetic location: 11q23.3.
Variant type: single nucleotide variant.
Coding change: c.3012G>T on transcript NM_014956.5 (MANE Select); coding-DNA position 3012, G replaced by T.
Protein change: p.Leu1004=; no amino-acid change (leucine 1004 retained).
Molecular consequence: synonymous variant.
Genome position (GRCh38, 1-based): chr11:117,395,645, G>T. VCF-style: chr11-117395645-G-T. GRCh37 (hg19) VCF-style: chr11-117266361-G-T.
Other names: c.3021G>T, p.Leu1007= (NM_001271933.2); c.3012G>T (NM_014956.4).
Identifiers: ClinVar variation 1108223 (VCV001108223.12), dbSNP rs368609037, ClinGen allele CA6295301.

ClinVar aggregate classification (germline): Likely benign. Review status: criteria provided, multiple submitters, no conflicts (2 of 4 stars). 3 submissions from 3 submitters: Likely benign (2). 1 of the submissions does not count toward it. Last evaluated 2025-04-30.

Conditions:
CEP164-related disorder. Also called: CEP164-related condition.
Nephronophthisis 15 (NPHP15). Identifiers: Orphanet 3156, MedGen C3541853, MONDO:0013917, OMIM 614845.

Allele frequency attached by ClinVar (database versions not stated): ExAC 0.00001; gnomAD exomes 0.00001 and 0.00002; gnomAD 0.00003 and 0.00004; TOPMed 0.00005; ESP Exome Variant Server 0.00008.
gnomAD v4.1: 19 of 1,613,688 alleles (0.0012%); highest among the groups gnomAD compares: African/African-American, 0.017%; no homozygotes.

Submissions (3):

Labcorp Genetics (formerly Invitae), Labcorp
Classification: Likely benign for Nephronophthisis 15. Last evaluated: 2025-04-30. Review status: criteria provided, single submitter. Criteria: Invitae Variant Classification Sherloc (09022015). Collection method: clinical testing. Allele origin: germline.

Fulgent Genetics
Classification: Likely benign for Nephronophthisis 15. Last evaluated: 2021-12-30. Review status: criteria provided, single submitter. Criteria: ACMG Guidelines, 2015. Collection method: clinical testing. Allele origin: unknown.

PreventionGenetics, part of Exact Sciences
Classification: Likely benign for CEP164-related condition. Last evaluated: 2023-01-30. Review status: no assertion criteria provided. Collection method: clinical testing. Allele origin: germline. Not counted in ClinVar's aggregate classification.
Comment: This variant is classified as likely benign based on ACMG/AMP sequence variant interpretation guidelines (Richards et al. 2015 PMID: 25741868, with internal and published modifications).